The following is an entry in ClinVar:

NM_017654.4(SAMD9):c.976C>A (p.Gln326Lys)

Gene: SAMD9 (sterile alpha motif domain containing 9; minus strand). Cytogenetic location: 7q21.2.
Variant type: single nucleotide variant.
Coding change: c.976C>A on transcript NM_017654.4 (MANE Select); coding-DNA position 976, C replaced by A.
Protein change: p.Gln326Lys; replaces glutamine 326 with lysine.
Molecular consequence: missense variant.
Genome position (GRCh38, 1-based): chr7:93,105,122, G>T on the plus strand (C>A on the coding strand, the complement: SAMD9 is on the minus strand). VCF-style: chr7-93105122-G-T. GRCh37 (hg19) VCF-style: chr7-92734435-G-T.
Other names: c.976C>A, p.Gln326Lys (NM_001193307.2); short protein forms Q326K.
Identifiers: ClinVar variation 4774010 (VCV004774010.1).

ClinVar aggregate classification (germline): Uncertain significance (1 of 4 stars; one submission).

gnomAD v4.1: 1 of 1,613,548 alleles (0.000062%); highest among the groups gnomAD compares: Non-Finnish European, 0.000085%; no homozygotes.

Submission:

Labcorp Genetics (formerly Invitae), Labcorp
Classification: Uncertain significance. Last evaluated: 2025-11-17. Review status: criteria provided, single submitter. Criteria: Invitae Variant Classification Sherloc (09022015). Collection method: clinical testing. Allele origin: germline.
Comment: This sequence change replaces glutamine, which is neutral and polar, with lysine, which is basic and polar, at codon 326 of the SAMD9 protein (p.Gln326Lys). This variant is not present in population databases (gnomAD no frequency). This variant has not been reported in the literature in individuals affected with SAMD9-related conditions. Invitae Evidence Modeling of protein sequence and biophysical properties (such as structural, functional, and spatial information, amino acid conservation, physicochemical variation, residue mobility, and thermodynamic stability) indicates that this missense variant is not expected to disrupt SAMD9 protein function with a negative predictive value of 95%. In summary, the available evidence is currently insufficient to determine the role of this variant in disease. Therefore, it has been classified as a Variant of Uncertain Significance.